The following is an entry in ClinVar:

ClinVar aggregate classification (germline): Uncertain significance (1 of 4 stars; one submission).

Conditions:
Malignant hyperthermia, susceptibility to, 1 (MHS1). Also called: Anesthesia related hyperthermia; Malignant hyperpyrexia; Fulminating hyperpyrexia; Pharmacogenic myopathy; RYR1-Related Malignant Hyperthermia Susceptibility; Malignant hyperthermia suceptibility 1. Identifiers: Orphanet 423, MedGen C2930980, MONDO:0007783, OMIM 145600.

Submission:

All of Us Research Program, National Institutes of Health
Classification: Uncertain significance for Malignant hyperthermia, susceptibility to, 1. Last evaluated: 2024-05-30. Review status: criteria provided, single submitter. Criteria: ACMG Guidelines, 2015. Collection method: clinical testing. Allele origin: germline. Inheritance: Autosomal dominant inheritance. Observed: 1 variant allele, 1 heterozygote.
Comment: This variant causes a C to T nucleotide substitution at the -3 position of intron 15 of the RYR1 gene. To our knowledge, functional studies have not been reported for this variant. This variant has not been reported in individuals affected with RYR1-related disorders in the literature. This variant has not been identified in the general population by the Genome Aggregation Database (gnomAD). The available evidence is insufficient to determine the role of this variant in disease conclusively. Therefore, this variant is classified as a Variant of Uncertain Significance.

This study involves interpretation of variants in research participants for the purpose of population health screening. Participant phenotype was not available at the time of variant classification. Additional details can be found in publication PMID: 35346344, PMCID: PMC8962531

NM_000540.3(RYR1):c.1673-3C>T

Gene: RYR1 (ryanodine receptor 1; plus strand). Cytogenetic location: 19q13.2.
Variant type: single nucleotide variant.
Coding change: c.1673-3C>T on transcript NM_000540.3 (MANE Select); 3 bases into the intron before coding-DNA position 1673, C replaced by T.
Molecular consequence: intron variant.
Genome position (GRCh38, 1-based): chr19:38,455,630, C>T. VCF-style: chr19-38455630-C-T. GRCh37 (hg19) VCF-style: chr19-38946270-C-T.
Other names: c.1673-3C>T (NM_001042723.2).
Identifiers: ClinVar variation 3387656 (VCV003387656.1).